The following is an entry in ClinVar:

ClinVar aggregate classification (germline): Pathogenic (1 of 4 stars; one submission).

Conditions:
Mendelian susceptibility to mycobacterial diseases due to partial STAT1 deficiency. Also called: IMMUNODEFICIENCY 31A, MYCOBACTERIOSIS, AUTOSOMAL DOMINANT; STAT1 DEFICIENCY, AUTOSOMAL DOMINANT; Immunodeficiency 31a. Identifiers: Orphanet 319595, MedGen C4013950, MONDO:0013956, OMIM 614892.
Immunodeficiency 31B. Also called: STAT1 DEFICIENCY, AUTOSOMAL RECESSIVE; IMMUNODEFICIENCY 31B, MYCOBACTERIAL AND VIRAL INFECTIONS, AUTOSOMAL RECESSIVE. Identifiers: Orphanet 391311, MedGen C3151088, MONDO:0013427, OMIM 613796.
Autoimmune enteropathy and endocrinopathy - susceptibility to chronic infections syndrome. Also called: Immunodeficiency 31C; Immunodeficiency 31C, autosomal dominant. Identifiers: Orphanet 391487, MedGen C3279990, MONDO:0013599, OMIM 614162.

Submission:

Labcorp Genetics (formerly Invitae), Labcorp
Classification: Pathogenic for Mendelian susceptibility to mycobacterial diseases due to partial STAT1 deficiency; Immunodeficiency 31B; Autoimmune enteropathy and endocrinopathy - susceptibility to chronic infections syndrome. Last evaluated: 2024-06-17. Review status: criteria provided, single submitter. Criteria: Invitae Variant Classification Sherloc (09022015). Collection method: clinical testing. Allele origin: germline.
Comment: This sequence change replaces arginine, which is basic and polar, with glycine, which is neutral and non-polar, at codon 321 of the STAT1 protein (p.Arg321Gly). This variant is not present in population databases (gnomAD no frequency). This missense change has been observed in individual(s) with autosomal dominant chronic mucocutaneous candidiasis (CMC) (PMID: 27114460). In at least one individual the variant was observed to be de novo. An algorithm developed to predict the effect of missense changes on protein structure and function (PolyPhen-2) suggests that this variant is likely to be disruptive. This variant disrupts the p.Arg321 amino acid residue in STAT1. Other variant(s) that disrupt this residue have been determined to be pathogenic (PMID: 27114460, 31354696, 33679782). This suggests that this residue is clinically significant, and that variants that disrupt this residue are likely to be disease-causing. For these reasons, this variant has been classified as Pathogenic.

Literature cited by the submitters: PubMed 27114460; PubMed 31354696; PubMed 33679782.

NM_007315.4(STAT1):c.961A>G (p.Arg321Gly)

Gene: STAT1 (signal transducer and activator of transcription 1; minus strand). Cytogenetic location: 2q32.2.
Variant type: single nucleotide variant.
Coding change: c.961A>G on transcript NM_007315.4 (MANE Select); coding-DNA position 961, A replaced by G.
Protein change: p.Arg321Gly; replaces arginine 321 with glycine.
Molecular consequence: missense variant. On other transcripts: intron variant (1).
Genome position (GRCh38, 1-based): chr2:190,991,304, T>C on the plus strand (A>G on the coding strand, the complement: STAT1 is on the minus strand). VCF-style: chr2-190991304-T-C. GRCh37 (hg19) VCF-style: chr2-191856030-T-C.
Other names: c.961A>G, p.Arg321Gly (NM_001384880.1, NM_001384882.1, NM_001384886.1 and 3 more transcripts); c.967A>G, p.Arg323Gly (NM_001384881.1, NM_001384884.1); c.862A>G, p.Arg288Gly (NM_001384883.1); c.945-1630A>G (NM_001384887.1); c.802A>G, p.Arg268Gly (NM_001384885.1); c.871A>G, p.Arg291Gly (NM_001384890.1); c.997A>G, p.Arg333Gly (NM_001384891.1); short protein forms R268G, R291G, R333G, R321G, R288G, R323G.
Identifiers: ClinVar variation 2925337 (VCV002925337.3), dbSNP rs2470484324, ClinGen allele CA349920823.